The following is an entry in ClinVar:

ClinVar aggregate classification (germline): Uncertain significance. Review status: criteria provided, multiple submitters, no conflicts (2 of 4 stars). 2 submissions from 2 submitters: Uncertain significance (2). Last evaluated 2024-08-20.

Conditions:
Inborn genetic diseases. Identifiers: MedGen C0950123, MeSH D030342.

Allele frequency attached by ClinVar (database versions not stated): gnomAD 0.00004; ExAC 0.00005; TOPMed 0.00006; ESP Exome Variant Server 0.00008; gnomAD exomes 0.00011.
gnomAD v4.1: 168 of 1,613,410 alleles (0.01%); highest among the groups gnomAD compares: Non-Finnish European, 0.014%; no homozygotes.

Submissions (2):

Ambry Genetics
Classification: Uncertain significance for Inborn genetic diseases. Last evaluated: 2024-08-20. Review status: criteria provided, single submitter. Criteria: Ambry Variant Classification Scheme 2023. Collection method: clinical testing. Allele origin: germline.

Labcorp Genetics (formerly Invitae), Labcorp
Classification: Uncertain significance. Last evaluated: 2023-03-17. Review status: criteria provided, single submitter. Criteria: Invitae Variant Classification Sherloc (09022015). Collection method: clinical testing. Allele origin: germline.
Comment: Experimental studies and prediction algorithms are not available or were not evaluated, and the functional significance of this variant is currently unknown. ClinVar contains an entry for this variant (Variation ID: 2062664). This variant has not been reported in the literature in individuals affected with RIN2-related conditions. This variant is present in population databases (rs375464366, gnomAD 0.005%). This sequence change replaces aspartic acid, which is acidic and polar, with glycine, which is neutral and non-polar, at codon 67 of the RIN2 protein (p.Asp67Gly). In summary, the available evidence is currently insufficient to determine the role of this variant in disease. Therefore, it has been classified as a Variant of Uncertain Significance.

NM_018993.4(RIN2):c.200A>G (p.Asp67Gly)

Gene: RIN2 (Ras and Rab interactor 2; plus strand). Cytogenetic location: 20p11.23.
Variant type: single nucleotide variant.
Coding change: c.200A>G on transcript NM_018993.4 (MANE Select); coding-DNA position 200, A replaced by G.
Protein change: p.Asp67Gly; replaces aspartic acid 67 with glycine.
Molecular consequence: missense variant. On other transcripts: 5 prime UTR variant (1).
Genome position (GRCh38, 1-based): chr20:19,956,656, A>G. VCF-style: chr20-19956656-A-G. GRCh37 (hg19) VCF-style: chr20-19937300-A-G.
Other names: c.347A>G, p.Asp116Gly (NM_001242581.2); c.-346A>G (NM_001378238.1); c.200A>G (NM_018993.3); short protein forms D116G, D67G.
Identifiers: ClinVar variation 2062664 (VCV002062664.3), dbSNP rs375464366, ClinGen allele CA9779760.